The following is an entry in ClinVar:

ClinVar aggregate classification (germline): Pathogenic (1 of 4 stars; one submission).

Conditions:
Primary ciliary dyskinesia 3. Identifiers: Orphanet 244, MedGen C1837618, MONDO:0012085, OMIM 608644.

Submission:

Myriad Genetics, Inc.
Classification: Pathogenic for Primary ciliary dyskinesia 3. Last evaluated: 2024-01-15. Review status: criteria provided, single submitter. Criteria: Myriad Autosomal Dominant, Autosomal Recessive and X-Linked Classification Criteria (2023). Collection method: clinical testing. Allele origin: unknown.
Comment: NM_001369.2(DNAH5):c.3111_3112ins5(V1038Wfs*57) is expected to be pathogenic in the context of primary ciliary dyskinesia, DNAH5-related. This variant is predicted to lead to an abnormal or absent protein product due to the creation of a premature termination codon in DNAH5, a gene where loss-of-function variants are known to be pathogenic. Please note: this variant was assessed in the context of healthy population screening.

NM_001369.3(DNAH5):c.3111_3112insTGGAA (p.Val1038fs)

Genes: DNAH5 (dynein axonemal heavy chain 5; minus strand), DNAH5-AS1 (DNAH5 antisense RNA 1; plus strand). Cytogenetic location: 5p15.2.
Variant type: Insertion.
Coding change: c.3111_3112insTGGAA on transcript NM_001369.3 (MANE Select); coding-DNA positions 3111 to 3112, TGGAA inserted.
Protein change: p.Val1038fs; shifts the reading frame from valine 1038.
Molecular consequence: frameshift variant.
Genome position: GRCh38 VCF-style: chr5-13882966-C-CTTCCA. GRCh37 (hg19) VCF-style: chr5-13883075-C-CTTCCA.
Other names: short protein forms V1038fs.
Identifiers: ClinVar variation 5012651 (VCV005012651.1).